The following continues an entry in ClinVar:

NM_000256.3(MYBPC3):c.1224-19G>A

Gene: MYBPC3. ClinVar aggregate classification (germline): Pathogenic/Likely pathogenic. Pathogenic (6); Likely pathogenic (11).

Submissions 12 to 20 of 20:

Genetics and Molecular Pathology, SA Pathology
Classification: Pathogenic for Hypertrophic cardiomyopathy. Last evaluated: 2023-04-12. Review status: criteria provided, single submitter. Criteria: ACMG Guidelines, 2015. Collection method: clinical testing. Allele origin: germline. Inheritance: Autosomal dominant inheritance. Affected: yes.
Comment: The MYBPC3 c.1224-19G>A variant is classified as Likely Pathogenic (PVS1_Moderate, PS4_Moderate, PM2) MYBPC3 c.1224-19G>A is located in intron 13/34. The variant has been reported in at least 10 proband with a clinical presentation of Hypertrophic Cardiomyopathy (PMID#18258667, 18337725, 33673806, 31006259, 34400558) (PS4_Moderate) and is rare in population databases (gnomAD allele frequency = 0.0025%; 5 het) (PM2). The variant has been reported in dbSNP (rs587776699), in the HGMD database as disease causing (CS081936) and is reported as Likely pathogenic by other diagnostic laboratories (ClinVar#138326). RT-PCR studies confirm this variant results in a 17nt extension of exon 14 which results in a premature termination codon in exon 15 of MYBPC3 (PMID#18337725). This paper suggests the variant may result in a weak denovo splice site and it is unclear what fraction of pre-mRNA is incorrectly spliced (PVS1_Moderate).

All of Us Research Program, National Institutes of Health
Classification: Likely pathogenic for Hypertrophic cardiomyopathy. Last evaluated: 2023-04-10. Review status: criteria provided, single submitter. Criteria: ACMG Guidelines, 2015. Collection method: clinical testing. Allele origin: germline. Inheritance: Autosomal dominant inheritance. Observed: 1 variant allele, 1 heterozygote.
Comment: This variant causes a G to A nucleotide substitution at the -19 position of intron 13 of the MYBPC3 gene. A functional mRNA study has shown that this variant introduces a novel splice site at -17 position, extending the transcript by 17 nucleotides creating a frameshift and premature translation stop signal and expected to result in an absent or non-functional protein product (PMID: 18337725). This variant has been reported in greater than 10 individuals affected with hypertrophic cardiomyopathy (PMID: 18258667, 18337725, 28797094, 30645170, 35508642) and in one individual suspected of having hypertrophic cardiomyopathy (PMID: 33673806). This variant has been identified in 5/195212 chromosomes in the general population by the Genome Aggregation Database (gnomAD). Loss of MYBPC3 function is a known mechanism of disease. Based on the available evidence, this variant is classified as Likely Pathogenic.

This study involves interpretation of variants in research participants for the purpose of population health screening. Participant phenotype was not available at the time of variant classification. Additional details can be found in publication PMID: 35346344, PMCID: PMC8962531

CeGaT Center for Human Genetics Tuebingen
Classification: Likely pathogenic. Last evaluated: 2023-01-01. Review status: criteria provided, single submitter. Criteria: CeGaT Center For Human Genetics Tuebingen Variant Classification Criteria Version 2. Collection method: clinical testing. Allele origin: germline. Affected: yes. Observed: 2 variant alleles.

Clinical Genomics Laboratory, Stanford Medicine
Classification: Pathogenic for Hypertrophic cardiomyopathy 4. Last evaluated: 2022-04-05. Review status: criteria provided, single submitter. Criteria: ACMG Guidelines, 2015. Collection method: clinical testing. Allele origin: germline. Inheritance: Autosomal dominant inheritance. Observed: 1 variant allele, 1 homozygote.
Comment: The c.1224-19G>A variant in the MYBPC3 gene has been previously reported in the heterozygous state in at least 8 individuals with hypertrophic cardiomyopathy (PMID: 18337725; PMID: 18258667; PMID: 2879709; PMID: 30645170; PMID: 33673806). Biallelic variants in MYBPC3 have been reported in individuals with severe and early-onset hypertrophic cardiomyopathy, suggestive of a semi-dominant inheritance pattern (PMID: 17937428; PMID: 18467358). This variant has been identified in 4/21,374 South Asian chromosomes (5/195,212 chromosomes overall) by the Genome Aggregation Database. A functional study of the c.1224-19G>A variant demonstrated this variant results in a cryptic acceptor splice site, extending the transcript by 17 nucleotides and introducing a frameshift premature termination in exon 15 of 35 exons (PMID: 18337725). Premature termination at this location is predicted to undergo nonsense-mediated decay resulting in a truncated or absent protein. Loss-of-function is an established mechanism of disease for the MYBPC3 gene. These data were assessed using the ACMG/AMP variant interpretation guidelines. In summary, there is sufficient evidence to classify the c.1224-19G>A variant as pathogenic for autosomal dominant hypertrophic cardiomyopathy based on the information above. [ACMG evidence codes used: PS3_Very Strong; PS4]

GeneDx
Classification: Likely pathogenic. Last evaluated: 2018-12-18. Review status: criteria provided, single submitter. Criteria: GeneDx Variant Classification (06012015). Collection method: clinical testing. Allele origin: germline. Affected: yes.
Comment: The c.1224-19G>A likely pathogenic variant in the MYBPC3 gene has been reported in association with hypertrophic cardiomyopathy (Waldmuller et al., 2008; Frank-Hansen et al., 2008; Mendes de Almeida et al., 2017). Additionally, functional studies using mRNA analysis demonstrate that this variant creates a splice acceptor site upstream of the canonical splice acceptor site and adds 17 nucleotides to the transcript (Frank-Hansen et al., 2008). This variant is predicted to result in aberrant gene splicing that leads to protein truncation and frameshift (Frank-Hansen et al., 2018). Furthermore, other deep intronic splice site variants in the MYBPC3 gene have been reported in HGMD in association with cardiomyopathy (Stenson et al., 2014). Furthermore, the c.1224-19 G>A variant is not observed at a significant frequency in large population cohorts (Lek et al., 2016). In summary, c.1224-19G>A in the MYBPC3 gene is interpreted as a likely pathogenic variant.

Clinical Genetics Service, Universitary Hospital 12 de Octubre
Classification: Likely pathogenic for Hypertrophic cardiomyopathy 4. Review status: criteria provided, single submitter. Criteria: ACMG Guidelines, 2015. Collection method: clinical testing. Allele origin: germline. Affected: yes.

OMIM
Classification: Pathogenic for CARDIOMYOPATHY, FAMILIAL HYPERTROPHIC, 4. Last evaluated: 2008-09-01. Review status: no assertion criteria provided. Collection method: literature only. Allele origin: germline. Not counted in ClinVar's aggregate classification.

Clinical Genetics, Academic Medical Center
Classification: Uncertain significance. Review status: no assertion criteria provided. Collection method: clinical testing. Allele origin: germline. Affected: yes. Study: VKGL Data-share Consensus. Not counted in ClinVar's aggregate classification.

Genome Diagnostics Laboratory, University Medical Center Utrecht
Classification: Uncertain significance. Review status: no assertion criteria provided. Collection method: clinical testing. Allele origin: germline. Affected: yes. Study: VKGL Data-share Consensus. Not counted in ClinVar's aggregate classification.

Literature cited by the submitters: PubMed 18258667 (cited by 8 submitters); PubMed 18337725 (cited by 10 submitters); PubMed 30645170 (cited by 6 submitters); PubMed 33673806 (cited by 7 submitters); PubMed 34400558 (cited by 3 submitters); PubMed 28797094 (cited by 4 submitters); PubMed 35508642 (cited by 3 submitters); PubMed 27841901 (cited by Victorian Clinical Genetics Services, Murdoch Childrens Research Institute); PubMed 32841044 (cited by Victorian Clinical Genetics Services, Murdoch Childrens Research Institute); PubMed 31006259 (cited by Genetics and Molecular Pathology, SA Pathology); PubMed 2879709 (cited by Clinical Genomics Laboratory, Stanford Medicine); PubMed 17937428 (cited by Clinical Genomics Laboratory, Stanford Medicine); PubMed 18467358 (cited by Clinical Genomics Laboratory, Stanford Medicine).